The following is an entry in ClinVar:

ClinVar aggregate classification (germline): Uncertain significance. Review status: criteria provided, multiple submitters, no conflicts (2 of 4 stars). 2 submissions from 2 submitters: Uncertain significance (2). Last evaluated 2019-12-30.

Conditions:
Cardiomyopathy (CMYO). Also called: Cardiomyopathies. Identifiers: Orphanet 167848, MedGen C0878544, MONDO:0004994, HP:0001638. Inheritance: Various modes of inheritance.

Allele frequency attached by ClinVar (database versions not stated): 1000 Genomes Project 30x 0.00016.
gnomAD v4.1: 2 of 1,610,118 alleles (0.00012%); highest among the groups gnomAD compares: East Asian, 0.0045%; no homozygotes.

Submissions (2):

Color Diagnostics, LLC DBA Color Health
Classification: Uncertain significance for Cardiomyopathy. Last evaluated: 2019-12-30. Review status: criteria provided, single submitter. Criteria: ACMG Guidelines, 2015. Collection method: clinical testing. Allele origin: germline.
Comment: This missense variant replaces valine with leucine at codon 1115 of the MYBPC3 protein. Computational prediction suggests that this variant may not impact protein structure and function (internally defined REVEL score threshold <= 0.5, PMID: 27666373). Splice site prediction tools suggest that this variant may not impact RNA splicing. To our knowledge, functional studies have not been performed for this variant. This variant has not been reported in individuals affected with cardiovascular disorders in the literature. This variant has not been identified in the general population by the Genome Aggregation Database (gnomAD). The available evidence is insufficient to determine the role of this variant in disease conclusively. Therefore, this variant is classified as a Variant of Uncertain Significance.

CHEO Genetics Diagnostic Laboratory, Children's Hospital of Eastern Ontario
Classification: Uncertain significance for Cardiomyopathy. Last evaluated: 2018-06-28. Review status: criteria provided, single submitter. Criteria: ACMG Guidelines, 2015. Collection method: clinical testing. Allele origin: germline.

NM_000256.3(MYBPC3):c.3343G>C (p.Val1115Leu)

Gene: MYBPC3 (myosin binding protein C3; minus strand). Cytogenetic location: 11p11.2.
Variant type: single nucleotide variant.
Coding change: c.3343G>C on transcript NM_000256.3 (MANE Select); coding-DNA position 3343, G replaced by C.
Protein change: p.Val1115Leu; replaces valine 1115 with leucine.
Molecular consequence: missense variant.
Genome position (GRCh38, 1-based): chr11:47,332,961, C>G on the plus strand (G>C on the coding strand, the complement: MYBPC3 is on the minus strand). VCF-style: chr11-47332961-C-G. GRCh37 (hg19) VCF-style: chr11-47354512-C-G.
Other names: short protein forms V1115L.
Identifiers: ClinVar variation 915776 (VCV000915776.5), dbSNP rs531189495, ClinGen allele CA380313850.